The following is an entry in ClinVar:

NM_003482.4(KMT2D):c.4514T>G (p.Val1505Gly)

Gene: KMT2D (lysine methyltransferase 2D; minus strand). Cytogenetic location: 12q13.12.
Variant type: single nucleotide variant.
Coding change: c.4514T>G on transcript NM_003482.4 (MANE Select); coding-DNA position 4514, T replaced by G.
Protein change: p.Val1505Gly; replaces valine 1505 with glycine.
Molecular consequence: missense variant.
Genome position (GRCh38, 1-based): chr12:49,046,329, A>C on the plus strand (T>G on the coding strand, the complement: KMT2D is on the minus strand). VCF-style: chr12-49046329-A-C. GRCh37 (hg19) VCF-style: chr12-49440112-A-C.
Other names: short protein forms V1505G.
Identifiers: ClinVar variation 1463298 (VCV001463298.6), dbSNP rs2120604625, ClinGen allele CA384645399.

ClinVar aggregate classification (germline): Uncertain significance (1 of 4 stars; one submission).

Conditions:
Kabuki syndrome. Also called: Kabuki make-up syndrome; NIIKAWA-KUROKI SYNDROME. Identifiers: Orphanet 2322, MedGen C0796004, MONDO:0016512.

Submission:

Labcorp Genetics (formerly Invitae), Labcorp
Classification: Uncertain significance for Kabuki syndrome. Last evaluated: 2021-10-24. Review status: criteria provided, single submitter. Criteria: Invitae Variant Classification Sherloc (09022015). Collection method: clinical testing. Allele origin: germline.
Comment: In summary, the available evidence is currently insufficient to determine the role of this variant in disease. Therefore, it has been classified as a Variant of Uncertain Significance. Advanced modeling of protein sequence and biophysical properties (such as structural, functional, and spatial information, amino acid conservation, physicochemical variation, residue mobility, and thermodynamic stability) performed at Invitae indicates that this missense variant is not expected to disrupt KMT2D protein function. This variant has not been reported in the literature in individuals affected with KMT2D-related conditions. This variant is not present in population databases (ExAC no frequency). This sequence change replaces valine with glycine at codon 1505 of the KMT2D protein (p.Val1505Gly). The valine residue is moderately conserved and there is a moderate physicochemical difference between valine and glycine.